The following is an entry in ClinVar:

ClinVar aggregate classification (germline): Uncertain significance (1 of 4 stars; one submission).

Submission:

Labcorp Genetics (formerly Invitae), Labcorp
Classification: Uncertain significance. Last evaluated: 2025-03-03. Review status: criteria provided, single submitter. Criteria: Invitae Variant Classification Sherloc (09022015). Collection method: clinical testing. Allele origin: germline.
Comment: This sequence change replaces proline, which is neutral and non-polar, with leucine, which is neutral and non-polar, at codon 304 of the CDH23 protein (p.Pro304Leu). This variant is not present in population databases (gnomAD no frequency). This variant has not been reported in the literature in individuals affected with CDH23-related conditions. ClinVar contains an entry for this variant (Variation ID: 2120392). Invitae Evidence Modeling of protein sequence and biophysical properties (such as structural, functional, and spatial information, amino acid conservation, physicochemical variation, residue mobility, and thermodynamic stability) has been performed for this missense variant. However, the output from this modeling did not meet the statistical confidence thresholds required to predict the impact of this variant on CDH23 protein function. In summary, the available evidence is currently insufficient to determine the role of this variant in disease. Therefore, it has been classified as a Variant of Uncertain Significance.

NM_022124.6(CDH23):c.911C>T (p.Pro304Leu)

Gene: CDH23 (cadherin related 23; plus strand). Cytogenetic location: 10q22.1.
Variant type: single nucleotide variant.
Coding change: c.911C>T on transcript NM_022124.6 (MANE Select); coding-DNA position 911, C replaced by T.
Protein change: p.Pro304Leu; replaces proline 304 with leucine.
Molecular consequence: missense variant.
Genome position (GRCh38, 1-based): chr10:71,615,582, C>T. VCF-style: chr10-71615582-C-T. GRCh37 (hg19) VCF-style: chr10-73375339-C-T.
Other names: c.911C>T, p.Pro304Leu (NM_001171930.2, NM_001171931.2, NM_001171932.2 and 1 more transcripts); short protein forms P304L.
Identifiers: ClinVar variation 2120392 (VCV002120392.4), dbSNP rs2132515260, ClinGen allele CA377121483.